The following is an entry in ClinVar:

ClinVar aggregate classification (germline): Likely pathogenic (1 of 4 stars; one submission).

Conditions:
Hypertrophic cardiomyopathy. Also called: HYPERTROPHIC MYOCARDIOPATHY. Identifiers: Orphanet 217569, MedGen C0007194, MeSH D002312, MONDO:0005045, HP:0001639.

Submission:

Labcorp Genetics (formerly Invitae), Labcorp
Classification: Likely pathogenic for Hypertrophic cardiomyopathy. Last evaluated: 2022-11-29. Review status: criteria provided, single submitter. Criteria: Invitae Variant Classification Sherloc (09022015). Collection method: clinical testing. Allele origin: germline.
Comment: In summary, the currently available evidence indicates that the variant is pathogenic, but additional data are needed to prove that conclusively. Therefore, this variant has been classified as Likely Pathogenic. This variant disrupts the p.Arg712 amino acid residue in MYH7. Other variant(s) that disrupt this residue have been determined to be pathogenic (PMID: 28855170). This suggests that this residue is clinically significant, and that variants that disrupt this residue are likely to be disease-causing. Advanced modeling of protein sequence and biophysical properties (such as structural, functional, and spatial information, amino acid conservation, physicochemical variation, residue mobility, and thermodynamic stability) performed at Invitae indicates that this missense variant is expected to disrupt MYH7 protein function. ClinVar contains an entry for this variant (Variation ID: 572471). This variant has not been reported in the literature in individuals affected with MYH7-related conditions. This variant is not present in population databases (gnomAD no frequency). This sequence change replaces arginine, which is basic and polar, with glycine, which is neutral and non-polar, at codon 712 of the MYH7 protein (p.Arg712Gly).

Literature cited by the submitters: PubMed 28855170.

NM_000257.4(MYH7):c.2134C>G (p.Arg712Gly)

Gene: MYH7 (myosin heavy chain 7; minus strand). Cytogenetic location: 14q11.2.
Variant type: single nucleotide variant.
Coding change: c.2134C>G on transcript NM_000257.4 (MANE Select); coding-DNA position 2134, C replaced by G.
Protein change: p.Arg712Gly; replaces arginine 712 with glycine.
Molecular consequence: missense variant.
Genome position (GRCh38, 1-based): chr14:23,425,992, G>C on the plus strand (C>G on the coding strand, the complement: MYH7 is on the minus strand). VCF-style: chr14-23425992-G-C. GRCh37 (hg19) VCF-style: chr14-23895201-G-C.
Other names: short protein forms R712G.
Identifiers: ClinVar variation 572471 (VCV000572471.8), dbSNP rs749007293, ClinGen allele CA389049060.